The following is an entry in ClinVar:

NM_003873.7(NRP1):c.710G>A (p.Arg237Gln)

Gene: NRP1 (neuropilin 1; minus strand). Cytogenetic location: 10p11.22.
Variant type: single nucleotide variant.
Coding change: c.710G>A on transcript NM_003873.7 (MANE Select); coding-DNA position 710, G replaced by A.
Protein change: p.Arg237Gln; replaces arginine 237 with glutamine.
Molecular consequence: missense variant. On other transcripts: non-coding transcript variant (1).
Genome position (GRCh38, 1-based): chr10:33,256,420, C>T on the plus strand (G>A on the coding strand, the complement: NRP1 is on the minus strand). VCF-style: chr10-33256420-C-T. GRCh37 (hg19) VCF-style: chr10-33545348-C-T.
Other names: c.710G>A, p.Arg237Gln (NM_001024628.3, NM_001024629.3, NM_001244972.2 and 2 more transcripts); short protein forms R237Q.
Identifiers: ClinVar variation 4990227 (VCV004990227.1).
Genomic context (GRCh38, chr10:33,256,420, plus strand): 5'-CCTTCTTTTGCTATCGCGCTGTCGGTGTAAAAAACCATGGAGAGAATGCCCGATGAGGAT[C>T]GGATTCGACCTGGTGTTTTCTGTCCACAGTAACGCCCAATGTGAGGGCCAACTGGAAAGG-3'
Protein context (NP_003864.5, residues 227-247): YCGQKTPGRI[Arg237Gln]SSSGILSMVF

ClinVar aggregate classification (germline): Uncertain significance (1 of 4 stars; one submission).

Conditions:
NRP1-related disorder. Also called: NRP1-related condition.

gnomAD v4.1: 72 of 1,614,066 alleles (0.0045%); highest among the groups gnomAD compares: Middle Eastern, 0.033%; 1 homozygote.

Submission:

PreventionGenetics, part of Exact Sciences
Classification: Uncertain significance for NRP1-related condition. Last evaluated: 2026-08-24. Review status: criteria provided, single submitter. Criteria: ACMG Guidelines, 2015. Collection method: clinical testing. Allele origin: germline.
Comment: The NRP1 c.710G>A variant is predicted to result in the amino acid substitution p.Arg237Gln. To our knowledge, this variant has not been reported in the literature. This variant is reported in 0.0044% of alleles in individuals of European (Non-Finnish) descent in gnomAD. At this time, the clinical significance of this variant is uncertain due to the absence of conclusive functional and genetic evidence.